The following is an entry in ClinVar:

NM_001375567.1(FOCAD):c.5326T>C (p.Leu1776=)

Gene: FOCAD (focadhesin; plus strand). Cytogenetic location: 9p21.3.
Variant type: single nucleotide variant.
Coding change: c.5326T>C on transcript NM_001375567.1 (MANE Select); coding-DNA position 5326, T replaced by C.
Protein change: p.Leu1776=; no amino-acid change (leucine 1776 retained).
Molecular consequence: synonymous variant.
Genome position (GRCh38, 1-based): chr9:20,993,322, T>C. VCF-style: chr9-20993322-T-C. GRCh37 (hg19) VCF-style: chr9-20993321-T-C.
Other names: c.5221T>C, p.Leu1741= (NM_001375568.1, NM_001375570.1); c.5326T>C, p.Leu1776= (NM_017794.5).
Identifiers: ClinVar variation 3670576 (VCV003670576.2).

ClinVar aggregate classification (germline): Uncertain significance (1 of 4 stars; one submission).

gnomAD v4.1: 9 of 1,612,866 alleles (0.00056%); highest among the groups gnomAD compares: Non-Finnish European, 0.00076%; no homozygotes.

Submission:

Labcorp Genetics (formerly Invitae), Labcorp
Classification: Uncertain significance. Last evaluated: 2024-05-27. Review status: criteria provided, single submitter. Criteria: Invitae Variant Classification Sherloc (09022015). Collection method: clinical testing. Allele origin: germline.
Comment: This sequence change affects codon 1776 of the FOCAD mRNA. It is a 'silent' change, meaning that it does not change the encoded amino acid sequence of the FOCAD protein. This variant is present in population databases (no rsID available, gnomAD 0.0009%). This variant has not been reported in the literature in individuals affected with FOCAD-related conditions. Experimental studies and prediction algorithms are not available or were not evaluated, and the effect of this variant on mRNA splicing is currently unknown. In summary, the available evidence is currently insufficient to determine the role of this variant in disease. Therefore, it has been classified as a Variant of Uncertain Significance.